The following is an entry in ClinVar:

ClinVar aggregate classification (germline): Uncertain significance (1 of 4 stars; one submission).

Submission:

Ambry Genetics
Classification: Uncertain significance. Last evaluated: 2025-03-01. Review status: criteria provided, single submitter. Criteria: Ambry Variant Classification Scheme 2023. Collection method: clinical testing. Allele origin: germline.
Comment: The p.V1612I variant (also known as c.4834G>A), located in coding exon 19 of the WNK2 gene, results from a G to A substitution at nucleotide position 4834. The valine at codon 1612 is replaced by isoleucine, an amino acid with highly similar properties. This amino acid position is conserved. In addition, this alteration is predicted to be tolerated by in silico analysis. Based on the available evidence, the clinical significance of this variant remains unclear.

NM_006648.4(WNK2):c.4834G>A (p.Val1612Ile)

Gene: WNK2 (WNK lysine deficient protein kinase 2; plus strand). Cytogenetic location: 9q22.31.
Variant type: single nucleotide variant.
Coding change: c.4834G>A on transcript NM_006648.4 (MANE Select); coding-DNA position 4834, G replaced by A.
Protein change: p.Val1612Ile; replaces valine 1612 with isoleucine.
Molecular consequence: missense variant.
Genome position (GRCh38, 1-based): chr9:93,289,588, G>A. VCF-style: chr9-93289588-G-A. GRCh37 (hg19) VCF-style: chr9-96051870-G-A.
Other names: c.4945G>A, p.Val1649Ile (NM_001282394.3); short protein forms V1649I, V1612I.
Identifiers: ClinVar variation 3817194 (VCV003817194.1).
Genomic context (GRCh38, chr9:93,289,588, plus strand): 5'-CAGCCCCGCTCAGAGGTCTGCGGGGGGGACCTGGCCCTGCCCCCAGTGCCTAAGGAGGCG[G>A]TCTCAGGGCGTGTCCAGCTGCCCCAGCCCTTGGTGAGTAGCTGCCTTGTCCCAGAGACAC-3'
Protein context (NP_006639.3, residues 1602-1622): LALPPVPKEA[Val1612Ile]SGRVQLPQPL